The following is an entry in ClinVar:

ClinVar aggregate classification (germline): Uncertain significance (1 of 4 stars; one submission).

Conditions:
DEGCAGS syndrome. Also called: DEVELOPMENTAL DELAY WITH GASTROINTESTINAL, CARDIOVASCULAR, GENITOURINARY, AND SKELETAL ABNORMALITIES. Identifiers: MedGen C5561967, MONDO:0859181, OMIM 619488.

Submission:

Laboratorio de Genetica e Diagnostico Molecular, Hospital Israelita Albert Einstein
Classification: Uncertain significance for DEGCAGS syndrome. Last evaluated: 2023-03-18. Review status: criteria provided, single submitter. Criteria: ACMG Guidelines, 2015. Collection method: clinical testing. Allele origin: germline. Affected: yes.
Comment: ACMG classification criteria: PM2 supporting

NM_198535.3(ZNF699):c.1730A>G (p.His577Arg)

Gene: ZNF699 (zinc finger protein 699; minus strand). Cytogenetic location: 19p13.2.
Variant type: single nucleotide variant.
Coding change: c.1730A>G on transcript NM_198535.3 (MANE Select); coding-DNA position 1730, A replaced by G.
Protein change: p.His577Arg; replaces histidine 577 with arginine.
Molecular consequence: missense variant.
Genome position (GRCh38, 1-based): chr19:9,295,674, T>C on the plus strand (A>G on the coding strand, the complement: ZNF699 is on the minus strand). VCF-style: chr19-9295674-T-C. GRCh37 (hg19) VCF-style: chr19-9406350-T-C.
Other names: short protein forms H577R.
Identifiers: ClinVar variation 4076362 (VCV004076362.1).